The following is an entry in ClinVar:

ClinVar aggregate classification (germline): Uncertain significance (1 of 4 stars; one submission).

Conditions:
ACTC1-related disorder. Also called: ACTC1-related condition.

Submission:

PreventionGenetics, part of Exact Sciences
Classification: Uncertain significance for ACTC1-related condition. Last evaluated: 2023-03-22. Review status: criteria provided, single submitter. Criteria: ACMG Guidelines, 2015. Collection method: clinical testing. Allele origin: germline.
Comment: The ACTC1 c.709_711delTCC variant is predicted to result in an in-frame deletion (p.Ser237del). To our knowledge, this variant has not been reported in the literature or in a large population database, indicating this variant is rare. At this time, the clinical significance of this variant is uncertain due to the absence of conclusive functional and genetic evidence.

NM_005159.5(ACTC1):c.703TCC[2] (p.Ser237del)

Genes: GJD2-DT (GJD2 divergent transcript; plus strand), ACTC1 (actin alpha cardiac muscle 1; minus strand). Cytogenetic location: 15q14.
Variant type: Microsatellite.
Coding change: c.703TCC[2] on transcript NM_005159.5 (MANE Select); two copies in a row of the 3-base unit TCC starting at c.703; the reference has three copies in a row; one copy, 3 bases deleted.
Protein change: p.Ser237del; deletes serine 237.
Molecular consequence: inframe deletion. On other transcripts: inframe indel (2).
Genome position (GRCh38, 1-based): chr15:34,792,187-34,792,189, GGA deleted on the plus strand (TCC on the coding strand, the reverse complement: ACTC1 is on the minus strand); deleting any 3 consecutive bases within chr15:34,792,187-34,792,195 gives the same sequence; the position shown is the placement nearest the transcript's 3' end. VCF-style (leftmost placement, unchanged base first): chr15-34792186-GGGA-G. GRCh37 (hg19) VCF-style: chr15-35084387-GGGA-G.
Other names: c.703TCC[2], p.Ser237del (NM_001406482.1, NM_001406483.1); c.568TCC[2], p.Ser192del (NM_001406484.1); c.262TCC[2], p.Ser90del (NM_001406485.1); c.703_705TCC[2], p.Ser237del (NM_005159.4); c.709_711delTCC (NM_005159.4); short protein forms S192del, S237del, S90del.
Identifiers: ClinVar variation 2634608 (VCV002634608.1), dbSNP rs1891718996, ClinGen allele CA2169207783.